The following is an entry in ClinVar:

ClinVar aggregate classification (germline): Conflicting classifications of pathogenicity. Review status: criteria provided, conflicting classifications (1 of 4 stars). 5 submissions from 5 submitters: Uncertain significance (4); Likely benign (1). Last evaluated 2026-02-19.

Conditions:
Bernard Soulier syndrome (BSS). Also called: BLEEDING DISORDER, PLATELET-TYPE, 1; VON WILLEBRAND FACTOR RECEPTOR DEFICIENCY; Platelet Glycoprotein 1b, Deficiency of; GLYCOPROTEIN Ib, PLATELET, DEFICIENCY OF; PLATELET GLYCOPROTEIN Ib DEFICIENCY; Giant platelet syndrome. Identifiers: Orphanet 274, MedGen C0005129, MeSH D001606, MONDO:0009276, OMIM 231200.

Allele frequency attached by ClinVar (database versions not stated): gnomAD 0.00001 and 0.00008; TOPMed 0.00002; gnomAD exomes 0.00042; 1000 Genomes Project 30x 0.00047; 1000 Genomes Project 0.00060; ExAC 0.00253.

Submissions (5):

Centre for Medical Genetics,  Mumbai
Classification: Likely benign for Bernard Soulier syndrome. Last evaluated: 2026-02-19. Review status: criteria provided, single submitter. Criteria: ACMG Guidelines, 2015. Collection method: provider interpretation. Allele origin: germline. Inheritance: Autosomal recessive inheritance. Affected: no. Observed: 1 homozygote.
Comment: The variant satisfies PM5 criteria; Different amino acid change as a known pathogenic variant. The variant satisfies PM1 criteria; Non-truncating non-synonymous variant is located in a mutational hot spot and/or critical and well-established functional domain. The variant satisfies PP2 criteria; Missense variant in a gene with low rate of benign missense mutations and for which missense mutation is a common mechanism of a disease. The variant satisfies BS1 criteria; Allele frequency is greater than expected for disorder. However, the variant satisfies BS2 criteria.

CeGaT Center for Human Genetics Tuebingen
Classification: Uncertain significance. Last evaluated: 2025-02-01. Review status: criteria provided, single submitter. Criteria: CeGaT Center For Human Genetics Tuebingen Variant Classification Criteria Version 2. Collection method: clinical testing. Allele origin: germline. Affected: yes. Observed: 1 variant allele.
Comment: GP1BB: PM2, PM5, PP3

Blueprint Genetics
Classification: Uncertain significance. Last evaluated: 2024-05-13. Review status: criteria provided, single submitter. Criteria: ACMG Guidelines, 2015. Collection method: clinical testing. Allele origin: germline.

Eurofins Ntd Llc (ga)
Classification: Uncertain significance. Last evaluated: 2016-06-22. Review status: criteria provided, single submitter. Criteria: EGL Classification Definitions 2015. Collection method: clinical testing. Allele origin: germline. Observed: 1 variant allele.

Breakthrough Genomics
Classification: Uncertain significance. Review status: criteria provided, single submitter. Criteria: ACMG Guidelines, 2015. Collection method: not provided. Allele origin: germline. Inheritance: Autosomal dominant inheritance. Affected: yes.

Literature cited by the submitters: PubMed 8703016 (cited by Centre for Medical Genetics,  Mumbai).

NM_000407.5(GP1BB):c.338A>T (p.Tyr113Phe)

Genes: GP1BB (glycoprotein Ib platelet subunit beta; plus strand), SEPT5-GP1BB (SEPT5-GP1BB readthrough; plus strand). Cytogenetic location: 22q11.21.
Variant type: single nucleotide variant.
Coding change: c.338A>T on transcript NM_000407.5 (MANE Select); coding-DNA position 338, A replaced by T.
Protein change: p.Tyr113Phe; replaces tyrosine 113 with phenylalanine.
Molecular consequence: missense variant. On other transcripts: non-coding transcript variant (2).
Genome position (GRCh38, 1-based): chr22:19,724,181, A>T. VCF-style: chr22-19724181-A-T. GRCh37 (hg19) VCF-style: chr22-19711704-A-T.
Other names: short protein forms Y113F.
Identifiers: ClinVar variation 289107 (VCV000289107.21), dbSNP rs121909750, ClinGen allele CA10102339.
Genomic context (GRCh38, chr22:19,724,181, plus strand): 5'-GCGACTGCCGCCTTGTGCCGCTGCGCGCCTGGCTGGCCGGCCGCCCCGAGCGTGCGCCCT[A>T]CCGCGACCTGCGTTGCGTGGCGCCCCCAGCGCTGCGCGGCCGCCTGCTGCCCTATCTGGC-3'
Protein context (NP_000398.1, residues 103-123): WLAGRPERAP[Tyr113Phe]RDLRCVAPPA